The following is an entry in ClinVar:

NM_000260.4(MYO7A):c.4354C>T (p.Gln1452Ter)

Gene: MYO7A (myosin VIIA; plus strand). Cytogenetic location: 11q13.5.
Variant type: single nucleotide variant.
Coding change: c.4354C>T on transcript NM_000260.4 (MANE Select); coding-DNA position 4354, C replaced by T.
Protein change: p.Gln1452Ter; replaces glutamine 1452 with a stop codon.
Molecular consequence: nonsense.
Genome position (GRCh38, 1-based): chr11:77,197,511, C>T. VCF-style: chr11-77197511-C-T. GRCh37 (hg19) VCF-style: chr11-76908556-C-T.
Other names: c.4354C>T, p.Gln1452Ter (NM_001127180.2); c.4321C>T, p.Gln1441Ter (NM_001369365.1); short protein forms Q1452*, Q1441*.
Identifiers: ClinVar variation 852300 (VCV000852300.15), dbSNP rs778934538, ClinGen allele CA6198429.

ClinVar aggregate classification (germline): Pathogenic/Likely pathogenic. Review status: criteria provided, multiple submitters, no conflicts (2 of 4 stars). 4 submissions from 4 submitters: Pathogenic (3); Likely pathogenic (1). Last evaluated 2025-11-12.

Conditions:
MYO7A-related disorder. Also called: MYO7A-related disorders.
Usher syndrome type 1B (USH1B). Also called: Usher syndrome type IB. Identifiers: MedGen C1848638, MONDO:0700087.

Allele frequency attached by ClinVar (database versions not stated): gnomAD 0.00001; gnomAD exomes 0.00001; ExAC 0.00002.

Submissions (4):

PreventionGenetics, part of Exact Sciences
Classification: Likely pathogenic for MYO7A-related condition. Last evaluated: 2025-11-12. Review status: criteria provided, single submitter. Criteria: ACMG Guidelines, 2015. Collection method: clinical testing. Allele origin: germline.
Comment: The MYO7A c.4354C>T variant is predicted to result in premature protein termination (p.Gln1452*). This variant was reported in the homozygous and compound heterozygous states in two individuals with Usher syndrome (Jiang et al. 2015. PubMed ID: 26338283; Brodie et al. 2020. PubMed ID: 33111992). This variant was also reported in a patient with inherited retinal disorder, but information on a second potentially causative variant was not reported (Table S1, Karali et al. 2022. PubMed ID: 36460718). This variant is reported in 0.0060% of alleles in individuals of Latino descent in gnomAD. Nonsense variants in MYO7A are expected to be pathogenic. This variant is interpreted as likely pathogenic.

Labcorp Genetics (formerly Invitae), Labcorp
Classification: Pathogenic. Last evaluated: 2025-04-14. Review status: criteria provided, single submitter. Criteria: Invitae Variant Classification Sherloc (09022015). Collection method: clinical testing. Allele origin: germline.
Comment: This sequence change creates a premature translational stop signal (p.Gln1452*) in the MYO7A gene. It is expected to result in an absent or disrupted protein product. Loss-of-function variants in MYO7A are known to be pathogenic (PMID: 8900236, 25404053). The frequency data for this variant in the population databases is considered unreliable, as metrics indicate poor data quality at this position in the gnomAD database. This premature translational stop signal has been observed in individual(s) with Usher syndrome (PMID: 26338283). ClinVar contains an entry for this variant (Variation ID: 852300). For these reasons, this variant has been classified as Pathogenic.

Natera, Inc.
Classification: Pathogenic for Usher syndrome type 1B. Last evaluated: 2024-03-25. Review status: criteria provided, single submitter. Criteria: Natera Variant Classification Schema (03/2026). Collection method: clinical testing. Allele origin: germline.
Comment: The c.4354C>T variant in MYO7A is a nonsense variant predicted to introduce a stop codon at amino acid 1452. This variant is expected to result in nonsense mediated decay, truncation, or a dysfunctional protein product. This variant is rare in the general population with a frequency below the threshold expected for the associated phenotype(s). This variant has been observed in one or more individuals affected with the associated recessive disease, as either homozygous or compound heterozygous with a second variant (PMID: 26338283). Given the available evidence, this variant is classified as Pathogenic.

Blueprint Genetics
Classification: Pathogenic for MYO7A-related disorders. Last evaluated: 2023-12-28. Review status: criteria provided, single submitter. Criteria: ACMG Guidelines, 2015. Collection method: clinical testing. Allele origin: germline. Affected: yes. Observed: 3 variant alleles.

Literature cited by the submitters: PubMed 8900236 (cited by Labcorp Genetics (formerly Invitae), Labcorp); PubMed 25404053 (cited by Labcorp Genetics (formerly Invitae), Labcorp); PubMed 26338283 (cited by Labcorp Genetics (formerly Invitae), Labcorp and Natera, Inc.).